The following is an entry in ClinVar:

ClinVar aggregate classification (germline): Uncertain significance. Review status: criteria provided, multiple submitters, no conflicts (2 of 4 stars). 3 submissions from 3 submitters: Uncertain significance (3). Last evaluated 2023-09-14.

Conditions:
Familial melanoma. Also called: Hereditary melanoma; Hereditary cutaneous melanoma. Identifiers: Orphanet 618, MedGen C1512419, MONDO:0018961.
Hereditary cancer-predisposing syndrome. Also called: Tumor predisposition; Hereditary Cancer Syndrome; Hereditary neoplastic syndrome; Neoplastic Syndromes, Hereditary. Identifiers: Orphanet 140162, MedGen C0027672, MeSH D009386, MONDO:0015356.

Submissions (3):

Ambry Genetics
Classification: Uncertain significance for Hereditary cancer-predisposing syndrome. Last evaluated: 2023-09-14. Review status: criteria provided, single submitter. Criteria: Ambry Variant Classification Scheme 2023. Collection method: clinical testing. Allele origin: germline.
Comment: The c.218_220dupCCG variant (also known as p.A73dup), located in coding exon 2 of the CDKN2A gene, results from an in-frame duplication of CCG at nucleotide positions 218 to 220. This results in the duplication of an extra residue between codons 73 and 74. This amino acid position is not well conserved in available vertebrate species. In addition, this alteration is predicted to be deleterious by in silico analysis (Choi Y et al. PLoS ONE. 2012; 7(10):e46688). Since supporting evidence is limited at this time, the clinical significance of this alteration remains unclear.

Labcorp Genetics (formerly Invitae), Labcorp
Classification: Uncertain significance for Familial melanoma. Last evaluated: 2022-04-22. Review status: criteria provided, single submitter. Criteria: Invitae Variant Classification Sherloc (09022015). Collection method: clinical testing. Allele origin: germline.
Comment: This variant has not been reported in the literature in individuals affected with CDKN2A (p16INK4a)-related conditions. In summary, the available evidence is currently insufficient to determine the role of this variant in disease. Therefore, it has been classified as a Variant of Uncertain Significance. Experimental studies and prediction algorithms are not available or were not evaluated, and the functional significance of this variant is currently unknown. ClinVar contains an entry for this variant (Variation ID: 422758). This variant is also known as c.261_263dup (p.Arg88dup) in the CDKN2A (p14ARF) transcript. This variant is not present in population databases (gnomAD no frequency). This variant, c.218_220dup, results in the insertion of 1 amino acid(s) of the CDKN2A (p16INK4a) protein (p.Ala73dup), but otherwise preserves the integrity of the reading frame. The CDKN2A gene encodes two different proteins, p16INK4a and p14ARF, which are translated from alternative transcripts with different open reading frames. Both transcripts have been analyzed. We report either the variant with the higher classification or default to the CDKN2A (p16INK4a) variant. This report therefore includes the details for the CDKN2A (p16INK4a) variant.

GeneDx
Classification: Uncertain significance. Last evaluated: 2016-11-22. Review status: criteria provided, single submitter. Criteria: GeneDx Variant Classification (06012015). Collection method: clinical testing. Allele origin: germline. Affected: yes.
Comment: This in-frame duplication of three nucleotides is denoted CDKN2A c.218_220dupCCG at the cDNA level and p.Ala73dup (A73dup) at the protein level. The normal sequence, with the bases that are duplicated in brackets, is TGCG[dupCCG]ACCC. This duplication of a single Alanine residue occurs at a position that is not conserved and is not located in a known functional domain (UniProt). In silico analyses are inconsistent regarding the effect this variant may have on protein structure and function. This variant has not, to our knowledge, been published in the literature as pathogenic or benign. Since in-frame duplications may or may not inhibit proper protein functioning, the clinical significance of this finding remains unclear at this time and we consider CDKN2A Ala73dup to be a variant of uncertain significance.

NM_000077.5(CDKN2A):c.218_220dup (p.Ala73_Asp74insAla)

Gene: CDKN2A (cyclin dependent kinase inhibitor 2A; minus strand). Cytogenetic location: 9p21.3.
Variant type: Duplication.
Coding change: c.218_220dup on transcript NM_000077.5; coding-DNA positions 218 to 220, 3 bases duplicated (CCG; older notation c.218_220dupCCG).
Protein change: p.Ala73_Asp74insAla.
Molecular consequence: inframe indel (on NM_000077.4). On other transcripts: inframe insertion (3), 3 prime UTR variant (1).
Genome position (GRCh38, 1-based): chr9:21,971,139-21,971,141, CGG duplicated on the plus strand (CCG on the coding strand, the reverse complement: CDKN2A is on the minus strand); duplicating any 3 consecutive bases within chr9:21,971,139-21,971,143 gives the same sequence; the c. name uses the placement nearest the transcript's 3' end. VCF-style (leftmost placement, unchanged base first): chr9-21971138-T-TCGG. GRCh37 (hg19) VCF-style: chr9-21971137-T-TCGG.
Other names: c.218_220dupCCG (NM_000077.4); c.216_218dup, p.Ala73_Asp74insAla (NM_000077.6); c.218_220dup, p.Ala73_Asp74insAla (NM_001195132.2); c.65_67dup, p.Ala22_Asp23insAla (NM_001363763.2); c.261_263dup, p.Arg88_Pro89insArg (NM_058195.4); c.*141_*143dup (NM_058197.5); c.218_220dup, p.Ala73dup (NM_000077.4).
Identifiers: ClinVar variation 422758 (VCV000422758.13), dbSNP rs1554654136, ClinGen allele CA16618831.